The following is an entry in ClinVar:

ClinVar aggregate classification (germline): Conflicting classifications of pathogenicity. Review status: criteria provided, conflicting classifications (1 of 4 stars). 5 submissions from 5 submitters: Pathogenic (3); Uncertain significance (2). Last evaluated 2026-07-25.

Conditions:
GPR143-related disorders.
Ocular albinism, type I (OA1). Also called: Ocular Albinism type 1; X-linked recessive ocular albinism; Ocular albinism, type I, Nettleship-Falls type; NETTLESHIP-FALLS TYPE OCULAR ALBINISM. Identifiers: Orphanet 54, MedGen C0342684, MONDO:0021019, OMIM 300500.
GPR143-related disorder. Also called: GPR143-related condition.

Allele frequency attached by ClinVar (database versions not stated): TOPMed below 0.00001; gnomAD 0.00001; gnomAD exomes 0.00001 and 0.00004; ExAC 0.00003.
gnomAD v4.1: 7 of 1,135,608 alleles (0.00062%); highest among the groups gnomAD compares: Admixed American, 0.016%; no homozygotes.

Submissions (5):

GeneDx
Classification: Uncertain significance. Last evaluated: 2026-07-25. Review status: criteria provided, single submitter. Criteria: GeneDx Variant Classification Process June 2021. Collection method: clinical testing. Allele origin: germline.
Comment: Observed in both the hemizygous and heterozygous states in unrelated individuals with ocular albinism in published literature; however, sequencing of other genes related to this condition was not performed in some cases (PMID: 24526317, 29847651, 31103373, 36672876); Non-canonical splice site variant demonstrated to result in loss of function (PMID: 24526317); This variant is associated with the following publications: (PMID: 29847651, 31103373, 36672876, 24526317, 40869959)

Labcorp Genetics (formerly Invitae), Labcorp
Classification: Pathogenic. Last evaluated: 2025-07-29. Review status: criteria provided, single submitter. Criteria: Invitae Variant Classification Sherloc (09022015). Collection method: clinical testing. Allele origin: germline.
Comment: This sequence change falls in intron 3 of the GPR143 gene. It does not directly change the encoded amino acid sequence of the GPR143 protein. It affects a nucleotide within the consensus splice site. This variant is present in population databases (rs776232889, gnomAD 0.02%). This variant has been observed in individuals with clinical features of oculocutaneous albinism (PMID: 24526317, 29847651, 31103373). This variant is also known as c.515+3A>G. ClinVar contains an entry for this variant (Variation ID: 1067385). Studies have shown that this variant alters GPR143 gene expression (PMID: 24526317). Variants that disrupt the consensus splice site are a relatively common cause of aberrant splicing (PMID: 17576681, 9536098). Algorithms developed to predict the effect of sequence changes on RNA splicing suggest that this variant may disrupt the consensus splice site. For these reasons, this variant has been classified as Pathogenic.

PreventionGenetics, part of Exact Sciences
Classification: Pathogenic for GPR143-related condition. Last evaluated: 2025-06-10. Review status: criteria provided, single submitter. Criteria: ACMG Guidelines, 2015. Collection method: clinical testing. Allele origin: germline.
Comment: The GPR143 c.455+3A>G variant is predicted to interfere with splicing. This variant has been reported in two unrelated individuals with ocular albinism (reported as c.515+3A>G in intron 3 in Sepúlveda-Vázquez et al. 2014. PubMed ID: 24526317). RT-PCR demonstrated that this variant affects the normal processing of GPR143 mRNA (Sepúlveda-Vázquez et al. 2014. PubMed ID: 24526317). The variant has been reported to result in variable retinal findings in heterozygotes, with some reports of fundus mosaicism in heterozygotes, consistent with random x-inactivation (Paavo et al. 2018. PubMed ID: 29847651; Sepúlveda-Vázquez et al. 2014. PubMed ID: 24526317). This variant is present in 0.024% of alleles in individuals of Latino descent in gnomAD. Given the evidence, we interpret this variant as pathogenic.

3billion
Classification: Uncertain significance for Ocular albinism, type I. Last evaluated: 2025-03-18. Review status: criteria provided, single submitter. Criteria: ACMG Guidelines, 2015. Collection method: clinical testing. Allele origin: germline. Affected: yes.

Blueprint Genetics
Classification: Pathogenic for GPR143-related disorders. Last evaluated: 2022-09-15. Review status: criteria provided, single submitter. Criteria: ACMG Guidelines, 2015. Collection method: clinical testing. Allele origin: germline. Affected: yes. Observed: 5 variant alleles.

Literature cited by the submitters: PubMed 24526317 (cited by Labcorp Genetics (formerly Invitae), Labcorp and 3billion); PubMed 29847651 (cited by Labcorp Genetics (formerly Invitae), Labcorp); PubMed 31103373 (cited by Labcorp Genetics (formerly Invitae), Labcorp); PubMed 17576681 (cited by Labcorp Genetics (formerly Invitae), Labcorp); PubMed 9536098 (cited by Labcorp Genetics (formerly Invitae), Labcorp).

NM_000273.3(GPR143):c.455+3A>G

Gene: GPR143 (G protein-coupled receptor 143; minus strand). Cytogenetic location: Xp22.2.
Variant type: single nucleotide variant.
Coding change: c.455+3A>G on transcript NM_000273.3 (MANE Select); 3 bases into the intron after coding-DNA position 455, A replaced by G.
Molecular consequence: intron variant.
Genome position (GRCh38, 1-based): chrX:9,759,329, T>C on the plus strand (A>G on the coding strand, the complement: GPR143 is on the minus strand). VCF-style: chrX-9759329-T-C. GRCh37 (hg19) VCF-style: chrX-9727369-T-C.
Other names: c.455+3A>G (NM_000273.2).
Identifiers: ClinVar variation 1067385 (VCV001067385.15), dbSNP rs776232889, ClinGen allele CA10345028.